The following is an entry in ClinVar:

NM_019032.6(ADAMTSL4):c.3135G>C (p.Gln1045His)

Gene: ADAMTSL4 (ADAMTS like 4; plus strand). Cytogenetic location: 1q21.2.
Variant type: single nucleotide variant.
Coding change: c.3135G>C on transcript NM_019032.6 (MANE Select); coding-DNA position 3135, G replaced by C.
Protein change: p.Gln1045His; replaces glutamine 1045 with histidine.
Molecular consequence: missense variant.
Genome position (GRCh38, 1-based): chr1:150,560,106, G>C. VCF-style: chr1-150560106-G-C. GRCh37 (hg19) VCF-style: chr1-150532582-G-C.
Other names: c.3018G>C, p.Gln1006His (NM_001288607.2); c.3204G>C, p.Gln1068His (NM_001288608.2); c.3135G>C, p.Gln1045His (NM_001378596.1); short protein forms Q1045H, Q1006H, Q1068H.
Identifiers: ClinVar variation 1947248 (VCV001947248.5), dbSNP rs1347833712, ClinGen allele CA342319293.
Genomic context (GRCh38, chr1:150,560,106, plus strand): 5'-TCCTCTGTCCCCAGATGATCAATGCAAGGACAGCTCTCCACATTGCCCCCTGGTGGTACA[G>C]GCCCGGCTCTGCGTCTACCCCTACTACACAGCCACCTGTTGCCGCTCTTGCGCACATGTC-3'
Protein context (NP_061905.2, residues 1035-1055): DSSPHCPLVV[Gln1045His]ARLCVYPYYT

ClinVar aggregate classification (germline): Uncertain significance (1 of 4 stars; one submission).

Submission:

Labcorp Genetics (formerly Invitae), Labcorp
Classification: Uncertain significance. Last evaluated: 2022-08-13. Review status: criteria provided, single submitter. Criteria: Invitae Variant Classification Sherloc (09022015). Collection method: clinical testing. Allele origin: germline.
Comment: Algorithms developed to predict the effect of missense changes on protein structure and function are either unavailable or do not agree on the potential impact of this missense change (SIFT: "Deleterious"; PolyPhen-2: "Probably Damaging"; Align-GVGD: "Class C15"). In summary, the available evidence is currently insufficient to determine the role of this variant in disease. Therefore, it has been classified as a Variant of Uncertain Significance. This variant has not been reported in the literature in individuals affected with ADAMTSL4-related conditions. This variant is not present in population databases (gnomAD no frequency). This sequence change replaces glutamine, which is neutral and polar, with histidine, which is basic and polar, at codon 1045 of the ADAMTSL4 protein (p.Gln1045His).